The following is an entry in ClinVar:

NM_000548.5(TSC2):c.2584G>A (p.Ala862Thr)

Gene: TSC2 (TSC complex subunit 2; plus strand). Cytogenetic location: 16p13.3.
Variant type: single nucleotide variant.
Coding change: c.2584G>A on transcript NM_000548.5 (MANE Select); coding-DNA position 2584, G replaced by A.
Protein change: p.Ala862Thr; replaces alanine 862 with threonine.
Molecular consequence: missense variant.
Genome position (GRCh38, 1-based): chr16:2,075,837, G>A. VCF-style: chr16-2075837-G-A. GRCh37 (hg19) VCF-style: chr16-2125838-G-A.
Other names: c.2584G>A, p.Ala862Thr (NM_001077183.3, NM_001114382.3, NM_001363528.2 and 3 more transcripts); c.2473G>A, p.Ala825Thr (NM_001318827.2); c.2437G>A, p.Ala813Thr (NM_001318829.2); c.1984G>A, p.Ala662Thr (NM_001318831.2); c.2617G>A, p.Ala873Thr (NM_001318832.2); c.2584G>A (NM_000548.4); short protein forms A862T, A662T, A813T, A825T, A873T.
Identifiers: ClinVar variation 185434 (VCV000185434.73), dbSNP rs759837836, ClinGen allele CA017691.

ClinVar aggregate classification (germline): Conflicting classifications of pathogenicity. Review status: criteria provided, conflicting classifications (1 of 4 stars). 13 submissions from 13 submitters: Uncertain significance (4); Likely benign (8). 1 of the submissions does not count toward it. Last evaluated 2026-01-09.

Conditions:
TSC2-related disorder. Also called: TSC2-Related Disorders; TSC2-related condition.
Hereditary cancer-predisposing syndrome. Also called: Tumor predisposition; Neoplastic Syndromes, Hereditary; Hereditary Cancer Syndrome; Hereditary neoplastic syndrome. Identifiers: Orphanet 140162, MedGen C0027672, MeSH D009386, MONDO:0015356.
Tuberous sclerosis syndrome (TSC). Also called: Tuberous Sclerosis Complex; Tuberous sclerosis. Identifiers: Orphanet 805, MedGen C0041341, MONDO:0001734.
Tuberous sclerosis 2 (TSC2). Identifiers: Orphanet 805, MedGen C1860707, MONDO:0013199, OMIM 613254.

Allele frequency attached by ClinVar (database versions not stated): gnomAD exomes 0.00002 and 0.00004; ExAC 0.00003; gnomAD 0.00005; TOPMed 0.00007.
gnomAD v4.1: 45 of 1,612,926 alleles (0.0028%); highest among the groups gnomAD compares: African/African-American, 0.0053%; no homozygotes.

Submissions (13):

Labcorp Genetics (formerly Invitae), Labcorp
Classification: Likely benign for Tuberous sclerosis 2. Last evaluated: 2026-01-09. Review status: criteria provided, single submitter. Criteria: Invitae Variant Classification Sherloc (09022015). Collection method: clinical testing. Allele origin: germline.

Myriad Genetics, Inc.
Classification: Likely benign for Tuberous sclerosis 2. Last evaluated: 2025-05-20. Review status: criteria provided, single submitter. Criteria: Myriad Autosomal Dominant, Autosomal Recessive and X-Linked Classification Criteria (2023). Collection method: clinical testing. Allele origin: unknown.
Comment: This variant is considered likely benign. This variant has been observed at a population frequency that is significantly greater than expected given the associated disease prevalence and penetrance.

Laboratory of Genetics, Children's Clinical University Hospital Latvia
Classification: Likely benign. Last evaluated: 2025-02-16. Review status: criteria provided, single submitter. Criteria: ACMG Guidelines, 2015. Collection method: clinical testing. Allele origin: germline. Affected: yes.

St. Jude Molecular Pathology, St. Jude Children's Research Hospital
Classification: Uncertain significance for Tuberous sclerosis 2. Last evaluated: 2025-02-05. Review status: criteria provided, single submitter. Criteria: St. Jude Assertion Criteria 2020. Collection method: clinical testing. Allele origin: germline.
Comment: The TSC2 c.2584G>A (p.Ala862Thr) missense change has a maximum subpopulation frequency of 0.0046% in gnomAD v2.1.1. The in silico tool REVEL is inconclusive about a pathogenic or benign effect of this variant on protein function, and to our knowledge functional studies have not been performed. To our knowledge, this variant has not been reported in individuals with tuberous sclerosis complex. In summary, the evidence currently available is insufficient to determine the clinical significance of this variant. It has therefore been classified as of uncertain significance.

Blueprint Genetics
Classification: Likely benign. Last evaluated: 2024-02-09. Review status: criteria provided, single submitter. Criteria: ACMG Guidelines, 2015. Collection method: clinical testing. Allele origin: germline.

CeGaT Center for Human Genetics Tuebingen
Classification: Likely benign. Last evaluated: 2024-01-01. Review status: criteria provided, single submitter. Criteria: CeGaT Center For Human Genetics Tuebingen Variant Classification Criteria Version 2. Collection method: clinical testing. Allele origin: germline. Affected: yes. Observed: 6 variant alleles.
Comment: TSC2: BS2

Color Diagnostics, LLC DBA Color Health
Classification: Uncertain significance for Tuberous sclerosis syndrome. Last evaluated: 2023-10-26. Review status: criteria provided, single submitter. Criteria: ACMG Guidelines, 2015. Collection method: clinical testing. Allele origin: germline.
Comment: This missense variant replaces alanine with threonine at codon 862 of the TSC2 protein. Computational prediction is inconclusive regarding the impact of this variant on protein structure and function. To our knowledge, functional studies have not been reported for this variant. This variant has not been reported in individuals affected with tuberous sclerosis complex in the literature. This variant has been identified in 11/281940 chromosomes in the general population by the Genome Aggregation Database (gnomAD). The available evidence is insufficient to determine the role of this variant in disease conclusively. Therefore, this variant is classified as a Variant of Uncertain Significance.

Ambry Genetics
Classification: Likely benign for Hereditary cancer-predisposing syndrome. Last evaluated: 2022-01-26. Review status: criteria provided, single submitter. Criteria: Ambry Variant Classification Scheme 2023. Collection method: clinical testing. Allele origin: germline.

Sema4
Classification: Uncertain significance for Hereditary cancer-predisposing syndrome. Last evaluated: 2021-11-29. Review status: criteria provided, single submitter. Criteria: Sema4 Curation Guidelines. Collection method: curation. Allele origin: germline.
Comment: The TSC2 c.2584G>A (p.A862T) variant has not been reported in the literature to our knowledge. It was observed in 3/24894 chromosomes in the African/African American subpopulation according to the Genome Aggregation Database (PMID: 32461654). This variant has been reported in ClinVar (Variation ID: 185434). In silico tools suggest the impact of the variant on protein function is inconclusive, though these predictions have not been confirmed by functional studies. The evidence is insufficient to meet ACMG/AMP criteria for classifying the variant as benign or pathogenic. Thus, the clinical significance of this variant is currently uncertain.

Genome-Nilou Lab
Classification: Likely benign for Tuberous sclerosis 2. Last evaluated: 2021-11-07. Review status: criteria provided, single submitter. Criteria: ACMG Guidelines, 2015. Collection method: clinical testing. Allele origin: germline. Affected: no.

GeneDx
Classification: Likely benign. Last evaluated: 2017-12-28. Review status: criteria provided, single submitter. Criteria: GeneDx Variant Classification (06012015). Collection method: clinical testing. Allele origin: germline. Affected: yes.
Comment: This variant is considered likely benign or benign based on one or more of the following criteria: it is a conservative change, it occurs at a poorly conserved position in the protein, it is predicted to be benign by multiple in silico algorithms, and/or has population frequency not consistent with disease.

Eurofins Ntd Llc (ga)
Classification: Uncertain significance. Last evaluated: 2016-03-24. Review status: criteria provided, single submitter. Criteria: EGL Classification Definitions 2015. Collection method: clinical testing. Allele origin: germline. Observed: 1 variant allele, 1 heterozygote.

PreventionGenetics, part of Exact Sciences
Classification: Likely benign for TSC2-related condition. Last evaluated: 2024-05-15. Review status: no assertion criteria provided. Collection method: clinical testing. Allele origin: germline. Not counted in ClinVar's aggregate classification.
Comment: This variant is classified as likely benign based on ACMG/AMP sequence variant interpretation guidelines (Richards et al. 2015 PMID: 25741868, with internal and published modifications).